The following is an entry in ClinVar:

ClinVar aggregate classification (germline): Likely benign (1 of 4 stars; one submission).

Allele frequency attached by ClinVar (database versions not stated): gnomAD exomes 0.00006; ExAC 0.00047; gnomAD 0.00065; TOPMed 0.00066; ESP Exome Variant Server 0.00088; 1000 Genomes Project 0.00140; 1000 Genomes Project 30x 0.00141.
gnomAD v4.1: 181 of 1,551,700 alleles (0.012%); highest among the groups gnomAD compares: African/African-American, 0.2%; no homozygotes.

Submission:

CeGaT Center for Human Genetics Tuebingen
Classification: Likely benign. Last evaluated: 2023-03-01. Review status: criteria provided, single submitter. Criteria: CeGaT Center For Human Genetics Tuebingen Variant Classification Criteria Version 2. Collection method: clinical testing. Allele origin: germline. Affected: yes. Observed: 1 variant allele.
Comment: KLHL33: BP4, BP7

NM_001365790.2(KLHL33):c.1503C>A (p.Ala501=)

Gene: KLHL33 (kelch like family member 33; minus strand). Cytogenetic location: 14q11.2.
Variant type: single nucleotide variant.
Coding change: c.1503C>A on transcript NM_001365790.2 (MANE Select); coding-DNA position 1503, C replaced by A.
Protein change: p.Ala501=; no amino-acid change (alanine 501 retained).
Molecular consequence: synonymous variant.
Genome position (GRCh38, 1-based): chr14:20,429,965, G>T on the plus strand (C>A on the coding strand, the complement: KLHL33 is on the minus strand). VCF-style: chr14-20429965-G-T. GRCh37 (hg19) VCF-style: chr14-20898124-G-T.
Other names: c.711C>A, p.Ala237= (NM_001109997.3).
Identifiers: ClinVar variation 2644050 (VCV002644050.24), dbSNP rs375936916, ClinGen allele CA7080915.
Genomic context (GRCh38, chr14:20,429,965, plus strand): 5'-AGGCAGGGCAGGCAGCTGCCCCCACTCAACAGTTCGTACCAGTCCCACGCCACAGCGGAA[G>T]GCCCGGGCCCACCACACTGCTCGGGATGGTTGTCTTAGGGCCATGTCTGGTCTGAGCCCA-3'
Protein context (NP_001352719.1, residues 491-511): QPSRAVWWAR[Ala501=]FRCGVGLVRT